The following is an entry in ClinVar:

NM_031407.7(HUWE1):c.2610G>C (p.Leu870Phe)

Gene: HUWE1 (HECT, UBA and WWE domain containing E3 ubiquitin protein ligase 1; minus strand). Cytogenetic location: Xp11.22.
Variant type: single nucleotide variant.
Coding change: c.2610G>C on transcript NM_031407.7 (MANE Select); coding-DNA position 2610, G replaced by C.
Protein change: p.Leu870Phe; replaces leucine 870 with phenylalanine.
Molecular consequence: missense variant.
Genome position (GRCh38, 1-based): chrX:53,604,721, C>G on the plus strand (G>C on the coding strand, the complement: HUWE1 is on the minus strand). VCF-style: chrX-53604721-C-G. GRCh37 (hg19) VCF-style: chrX-53631682-C-G.
Other names: c.2610G>C, p.Leu870Phe (NM_001441048.1, NM_001441049.1, NM_001441051.1 and 6 more transcripts); c.2631G>C, p.Leu877Phe (NM_001441050.1, NM_001441055.1); c.2610G>C (NM_031407.4); short protein forms L870F, L877F.
Identifiers: ClinVar variation 4752314 (VCV004752314.2).

ClinVar aggregate classification (germline): Conflicting classifications of pathogenicity. Review status: criteria provided, conflicting classifications (1 of 4 stars). 2 submissions from 2 submitters: Uncertain significance (1); Likely benign (1). Last evaluated 2026-07-14.

Conditions:
Inborn genetic diseases. Identifiers: MedGen C0950123, MeSH D030342.

gnomAD v4.1: 7 of 1,210,430 alleles (0.00058%); highest among the groups gnomAD compares: Non-Finnish European, 0.00067%; no homozygotes.

Submissions (2):

Ambry Genetics
Classification: Uncertain significance for Inborn genetic diseases. Last evaluated: 2026-07-14. Review status: criteria provided, single submitter. Criteria: Ambry Variant Classification Scheme 2023. Collection method: clinical testing. Allele origin: germline.
Comment: The c.2610G>C (p.L870F) alteration is located in exon 26 (coding exon 23) of the HUWE1 gene. This alteration results from a G to C substitution at nucleotide position 2610, causing the leucine (L) at amino acid position 870 to be replaced by a phenylalanine (F). Based on data from gnomAD, the C allele has an overall frequency of <0.001% (1/183128) total alleles studied. The highest observed frequency was <0.001% (/) of alleles. Based on insufficient or conflicting evidence, the clinical significance of this alteration remains unclear.

Labcorp Genetics (formerly Invitae), Labcorp
Classification: Likely benign. Last evaluated: 2025-04-22. Review status: criteria provided, single submitter. Criteria: Invitae Variant Classification Sherloc (09022015). Collection method: clinical testing. Allele origin: germline.